The following is an entry in ClinVar:

NM_152783.5(D2HGDH):c.1039G>A (p.Ala347Thr)

Gene: D2HGDH (D-2-hydroxyglutarate dehydrogenase; plus strand). Cytogenetic location: 2q37.3.
Variant type: single nucleotide variant.
Coding change: c.1039G>A on transcript NM_152783.5 (MANE Select); coding-DNA position 1039, G replaced by A.
Protein change: p.Ala347Thr; replaces alanine 347 with threonine.
Molecular consequence: missense variant.
Genome position (GRCh38, 1-based): chr2:241,751,287, G>A. VCF-style: chr2-241751287-G-A. GRCh37 (hg19) VCF-style: chr2-242690702-G-A.
Other names: c.637G>A, p.Ala213Thr (NM_001287249.2); c.478G>A, p.Ala160Thr (NM_001352824.2); short protein forms A213T, A160T, A347T.
Identifiers: ClinVar variation 834472 (VCV000834472.6), dbSNP rs142624021, ClinGen allele CA2221903.
Genomic context (GRCh38, chr2:241,751,287, plus strand): 5'-CTTCCTTGCTCACTTCTAGAGAGTCCGTTTTACGTCCTCATCGAGACTTCAGGCTCCAAC[G>A]CAGGCCATGACGCTGAGAAGCTGGGCCACTTCCTGGAGCACGCGCTGGGCTCCGGCCTGG-3'
Protein context (NP_689996.4, residues 337-357): YVLIETSGSN[Ala347Thr]GHDAEKLGHF

ClinVar aggregate classification (germline): Conflicting classifications of pathogenicity. Review status: criteria provided, conflicting classifications (1 of 4 stars). 3 submissions from 3 submitters: Uncertain significance (2); Likely benign (1). Last evaluated 2026-01-05.

Conditions:
Inborn genetic diseases. Identifiers: MedGen C0950123, MeSH D030342.
D-2-hydroxyglutaric aciduria 1 (D2HGA1). Identifiers: Orphanet 79315, MedGen C3152055, MONDO:0024554, OMIM 600721.

Allele frequency attached by ClinVar (database versions not stated): gnomAD 0.00022 and 0.00025; TOPMed 0.00024; gnomAD exomes 0.00029; ExAC 0.00034; ESP Exome Variant Server 0.00046.
gnomAD v4.1: 625 of 1,613,852 alleles (0.039%); highest among the groups gnomAD compares: Non-Finnish European, 0.049%; no homozygotes.

Submissions (3):

Labcorp Genetics (formerly Invitae), Labcorp
Classification: Likely benign for D-2-hydroxyglutaric aciduria 1. Last evaluated: 2026-01-05. Review status: criteria provided, single submitter. Criteria: Invitae Variant Classification Sherloc (09022015). Collection method: clinical testing. Allele origin: germline.

Ambry Genetics
Classification: Uncertain significance for Inborn genetic diseases. Last evaluated: 2021-05-25. Review status: criteria provided, single submitter. Criteria: Ambry Variant Classification Scheme 2023. Collection method: clinical testing. Allele origin: germline.

Baylor Genetics
Classification: Uncertain significance for D-2-hydroxyglutaric aciduria 1. Last evaluated: 2018-11-16. Review status: criteria provided, single submitter. Criteria: ACMG Guidelines, 2015. Collection method: clinical testing. Allele origin: paternal. Affected: yes.
Comment: This variant was determined to be of uncertain significance according to ACMG Guidelines, 2015 [PMID:25741868].